The following is an entry in ClinVar:

ClinVar aggregate classification (germline): Likely benign (0 of 4 stars; one submission).

Conditions:
ARHGAP32-related disorder. Also called: ARHGAP32-related condition.

Allele frequency attached by ClinVar (database versions not stated): gnomAD exomes 0.00010; ExAC 0.00028; TOPMed 0.00072; ESP Exome Variant Server 0.00077; gnomAD 0.00084; 1000 Genomes Project 30x 0.00109; 1000 Genomes Project 0.00120.
gnomAD v4.1: 284 of 1,613,712 alleles (0.018%); highest among the groups gnomAD compares: African/African-American, 0.29%; no homozygotes.

Submission:

PreventionGenetics, part of Exact Sciences
Classification: Likely benign for ARHGAP32-related condition. Last evaluated: 2019-11-25. Review status: no assertion criteria provided. Collection method: clinical testing. Allele origin: germline.
Comment: This variant is classified as likely benign based on ACMG/AMP sequence variant interpretation guidelines (Richards et al. 2015 PMID: 25741868, with internal and published modifications).

NM_001378024.1(ARHGAP32):c.4206C>T (p.Asp1402=)

Gene: ARHGAP32 (Rho GTPase activating protein 32; minus strand). Cytogenetic location: 11q24.3.
Variant type: single nucleotide variant.
Coding change: c.4206C>T on transcript NM_001378024.1 (MANE Select); coding-DNA position 4206, C replaced by T.
Protein change: p.Asp1402=; no amino-acid change (aspartic acid 1402 retained).
Molecular consequence: synonymous variant.
Genome position (GRCh38, 1-based): chr11:128,971,007, G>A on the plus strand (C>T on the coding strand, the complement: ARHGAP32 is on the minus strand). VCF-style: chr11-128971007-G-A. GRCh37 (hg19) VCF-style: chr11-128840902-G-A.
Other names: c.4164C>T, p.Asp1388= (NM_001142685.2); c.4044C>T, p.Asp1348= (NM_001378025.1); c.3117C>T, p.Asp1039= (NM_014715.4).
Identifiers: ClinVar variation 3048311 (VCV003048311.2), dbSNP rs144145037, ClinGen allele CA6358612.
Genomic context (GRCh38, chr11:128,971,007, plus strand): 5'-GCCACAGGGATGCGCAGGGACAGACTCGGCGCGCAGGTGCAGCAGCGGGACCCGGGCACC[G>A]TCCCGCACTTTCTCAGGCAGGCCTGGCTGGACAGCTGTAGCCATGGGACACTGAGCAGCA-3'
Protein context (NP_001364953.1, residues 1392-1412): VQPGLPEKVR[Asp1402=]GARVPLLHLR